The following continues an entry in ClinVar:

NM_000257.4(MYH7):c.1447G>A (p.Glu483Lys)

Gene: MYH7. ClinVar aggregate classification (germline): Pathogenic/Likely pathogenic. Pathogenic (6); Likely pathogenic (8).

Submissions 8 to 16 of 16:

Color Diagnostics, LLC DBA Color Health
Classification: Likely pathogenic for Cardiomyopathy. Last evaluated: 2023-10-11. Review status: criteria provided, single submitter. Criteria: ACMG Guidelines, 2015. Collection method: clinical testing. Allele origin: germline.
Comment: This missense variant replaces glutamic acid with lysine at codon 483 of the MYH7 protein. This variant is found within a highly conserved region of the myosin head domain. Computational prediction suggests that this variant may have a deleterious impact on protein structure and function (internally defined REVEL score threshold >= 0.7, PMID: 27666373). Missense variants in this region have been shown to be significantly overrepresented in individuals with hypertrophic cardiomyopathy (PMID: 27532257). To our knowledge, functional studies have not been reported for this variant. This variant has been reported in at least six unrelated individuals affected with hypertrophic cardiomyopathy (PMID: 10424815, 12797239, 24111713, 24704860, 25351510, 27532257, 28378410, 33495596, 33495597). It has been shown that this variant segregates with disease in multiple individuals from one family (PMID: 10424815). Some of these individuals also carried a pathogenic variant in the MYBPC3 gene that could explain the observation of a more severely affected phenotype (PMID: 10424815). This variant has been identified in 2/282856 chromosomes in the general population by the Genome Aggregation Database (gnomAD). Based on the available evidence, this variant is classified as Likely Pathogenic.

CHEO Genetics Diagnostic Laboratory, Children's Hospital of Eastern Ontario
Classification: Pathogenic for Cardiomyopathy. Last evaluated: 2023-01-17. Review status: criteria provided, single submitter. Criteria: ACMG Guidelines, 2015. Collection method: clinical testing. Allele origin: germline.

Mendelics
Classification: Pathogenic for MYH7-related skeletal myopathy. Last evaluated: 2022-05-04. Review status: criteria provided, single submitter. Criteria: Mendelics Assertion Criteria 2019. Collection method: clinical testing. Allele origin: germline.

Women's Health and Genetics/Laboratory Corporation of America, LabCorp
Classification: Pathogenic for Cardiomyopathy. Last evaluated: 2021-12-07. Review status: criteria provided, single submitter. Criteria: LabCorp Variant Classification Summary - May 2015. Collection method: clinical testing. Allele origin: germline.
Comment: Variant summary: MYH7 c.1447G>A (p.Glu483Lys) results in a conservative amino acid change located in the Myosin head, motor domain (IPR001609) of the encoded protein sequence. Four of five in-silico tools predict a damaging effect of the variant on protein function. The variant allele was found at a frequency of 4e-06 in 251460 control chromosomes (gnomAD). c.1447G>A has been reported in the literature in multiple individuals affected with Cardiomyopathy (examples: Richard_1999, Berge_2013 and Walsh_2017) . These data indicate that the variant is associated with disease. One clinical diagnostic laboratory has submitted clinical-significance assessments for this variant to ClinVar after 2014 and classified the variant as pathogenic. Based on the evidence outlined above, the variant was classified as pathogenic.

National Institute of Allergy and Infectious Diseases - Centralized Sequencing Program, National Institutes of Health
Classification: Likely pathogenic for Cardiomyopathy, hypertrophic, 1. Last evaluated: 2021-08-06. Review status: criteria provided, single submitter. Criteria: ACMG Guidelines, 2015. Collection method: clinical testing. Allele origin: germline. Affected: no.

Victorian Clinical Genetics Services, Murdoch Childrens Research Institute
Classification: Pathogenic for Hypertrophic cardiomyopathy 1. Last evaluated: 2021-05-06. Review status: criteria provided, single submitter. Criteria: ACMG Guidelines, 2015. Collection method: clinical testing. Allele origin: germline. Inheritance: Autosomal dominant inheritance. Affected: yes.
Comment: Based on the classification scheme VCGS_Germline_v1.3.4, this variant is classified as Pathogenic. Following criteria are met: 0105 - The mechanism of disease for this gene is not clearly established, however missense variants have been proposed to act in a dominant negative manner (PMID: 24714796). (I) 0108 - This gene is associated with both recessive and dominant disease. Pathogenic variants in this gene are usually heterozygous, however a recessive inheritance pattern has been observed in severe cases (OMIM). (I) 0200 - Variant is predicted to result in a missense amino acid change from glutamic acid to lysine. (I) 0251 - This variant is heterozygous. (I) 0304 - Variant is present in gnomAD (v2) <0.01 (2 heterozygotes, 0 homozygotes). (SP) 0501 - Missense variant consistently predicted to be damaging by multiple in silico tools or highly conserved with a major amino acid change. (SP) 0602 - Variant is located in a hotspot region or cluster of pathogenic variants in the myosin motor domain (NCBI, UniProt, PMID 29300372). (SP) 0705 - No comparable missense variants have previous evidence for pathogenicity. (I) 0801 - This variant has strong previous evidence of pathogenicity in unrelated individuals. The variant has previously been reported as pathogenic in at least ten individuals with HCM, and has sometimes been observed in a compound heterozygous state or in addition to another heterozygous variant, resulting in a more severe phenotype (Atlas of Cardiac Genetic Variation, ClinVar, HGMD, LOVD, PMIDs: 10424815, 24111713, 27532257 & 28378410). (SP) 0902 - This variant has moderate evidence for segregation with disease. The variant was shown to segregate with HCM over three generations in one family, with four affected heterozygotes, and an additional two heterozygotes with a more severe phenotype who also carried a pathogenic variant in the MYBPC3 gene (PMID: 10424815). (SP) 1007 - No published functional evidence has been identified for this variant. (I) 1208 - Inheritance information for this variant is not currently available in this individual. (I) Legend: (SP) - Supporting pathogenic, (I) - Information, (SB) - Supporting benign

Laboratory for Molecular Medicine, Mass General Brigham Personalized Medicine
Classification: Likely pathogenic for Hypertrophic cardiomyopathy. Last evaluated: 2019-10-14. Review status: criteria provided, single submitter. Criteria: ACMG Guidelines, 2015. Collection method: clinical testing. Allele origin: germline.
Comment: The p.Glu483Lys variant in MYH7 has been reported in 5 individuals with HCM (Richard 1999, Berge 2014, Walsh 2017). One of these individuals also carried a nonsense variant in MYBPC3. It has also been identified in 2/129164 of European chromosomes by gnomAD and reported in ClinVar (Variation ID# 14119). Computational prediction tools and conservation analyses do not provide strong support for or against an impact to the protein. This variant lies in the head region of the protein and missense variants in this region are statistically more likely to be disease-associated (Walsh 2016). In summary, although additional studies are required to fully establish its clinical significance, this variant meets criteria to be classified as likely pathogenic for autosomal dominant HCM. ACMG/AMP Criteria applied: PM1, PM2, PS4_Supporting, PP1.

OMIM
Classification: Pathogenic for CARDIOMYOPATHY, FAMILIAL HYPERTROPHIC, 1. Last evaluated: 1999-07-01. Review status: no assertion criteria provided. Collection method: literature only. Allele origin: germline. Not counted in ClinVar's aggregate classification.

Genetics and Genomics Program, Sidra Medicine
Classification: Uncertain significance for Hypertrophic cardiomyopathy. Review status: flagged submission. Criteria: ACMG Guidelines, 2015. Collection method: research. Allele origin: unknown. Affected: yes. Observed: 1 variant allele. Not counted in ClinVar's aggregate classification.
ClinVar note: Reason: Outlier claim with insufficient supporting evidence

Literature cited by the submitters: PubMed 10424815 (cited by 8 submitters); PubMed 24111713 (cited by 7 submitters); PubMed 27532257 (cited by 7 submitters); PubMed 12707239 (cited by Ambry Genetics); PubMed 24704860 (cited by 3 submitters); PubMed 25351510 (cited by 3 submitters); PubMed 35653365 (cited by Ambry Genetics); PubMed 36136372 (cited by Ambry Genetics); PubMed 12797239 (cited by All of Us Research Program, National Institutes of Health and Color Diagnostics, LLC DBA Color Health); PubMed 28378410 (cited by 3 submitters); PubMed 33495596 (cited by All of Us Research Program, National Institutes of Health and Color Diagnostics, LLC DBA Color Health); PubMed 33495597 (cited by All of Us Research Program, National Institutes of Health and Color Diagnostics, LLC DBA Color Health); PubMed 24714796 (cited by Victorian Clinical Genetics Services, Murdoch Childrens Research Institute); PubMed 29300372 (cited by Victorian Clinical Genetics Services, Murdoch Childrens Research Institute); Hengstenberg, C., Charron, P., Beckmann, J. S., Weissenbach, J., Isnard, R., Komajda, M., Schwartz, K. Evidence for the existence of a fifth gene causing familial hypertrophic cardiomyopathy. (Abstract) Am. J. Hum. Genet. 53 (suppl.): A1013-only, 1993. (cited by OMIM); PubMed 7786104 (cited by OMIM).